The following is an entry in ClinVar:

NM_001041.4(SI):c.3218G>A (p.Gly1073Asp)

Gene: SI (sucrase-isomaltase; minus strand). Cytogenetic location: 3q26.1.
Variant type: single nucleotide variant.
Coding change: c.3218G>A on transcript NM_001041.4 (MANE Select); coding-DNA position 3218, G replaced by A.
Protein change: p.Gly1073Asp; replaces glycine 1073 with aspartic acid.
Molecular consequence: missense variant.
Genome position (GRCh38, 1-based): chr3:165,021,265, C>T on the plus strand (G>A on the coding strand, the complement: SI is on the minus strand). VCF-style: chr3-165021265-C-T. GRCh37 (hg19) VCF-style: chr3-164739053-C-T.
Other names: short protein forms G1073D.
Identifiers: ClinVar variation 1419 (VCV000001419.53), dbSNP rs121912616, ClinGen allele CA115006.

ClinVar aggregate classification (germline): Conflicting classifications of pathogenicity. Review status: criteria provided, conflicting classifications (1 of 4 stars). 26 submissions from 26 submitters: Pathogenic (5); Likely pathogenic (15); Uncertain significance (2). 4 of the submissions do not count toward it. Last evaluated 2026-08-24.

Conditions:
SI-related disorders.
SI-related disorder. Also called: SI-related condition.
Inborn errors of metabolism. Also called: Inborn error of metabolism. Identifiers: Orphanet 68367, MedGen C0025521, MONDO:0019052.
Inborn genetic diseases. Identifiers: MedGen C0950123, MeSH D030342.
Sucrase-isomaltase deficiency (CSID). Also called: Congenital sucrose isomaltose malabsorption; Sucrose isomaltose enzyme deficiency; SI DEFICIENCY; Deficiency of isomaltase. Identifiers: Orphanet 35122, MedGen C1283620, MONDO:0009114, OMIM 222900.

Allele frequency attached by ClinVar (database versions not stated): ExAC 0.00115; gnomAD 0.00150 and 0.00151; 1000 Genomes Project 30x 0.00016; gnomAD exomes 0.00124; TOPMed 0.00146.
gnomAD v4.1: 4,289 of 1,611,224 alleles (0.27%); highest among the groups gnomAD compares: Non-Finnish European, 0.34%; 6 homozygotes.

Submissions 1 to 10 of 26:

GeneDx
Classification: Likely pathogenic. Last evaluated: 2026-08-24. Review status: criteria provided, single submitter. Criteria: GeneDx Variant Classification Process June 2021. Collection method: clinical testing. Allele origin: germline.
Comment: In silico analysis supports that this missense variant has a deleterious effect on protein structure/function; This variant is associated with the following publications: (PMID: 27872184, 23103650, 31589614, 36422736, 38327254, 32433684, 30609409, 33567694, 31557950, 33972906, 36007526, 27579322, 35985447, 16329100, 19121318, 38682389, 36878682, Irlayc2024[Article], 39971164, 32732636, 41125338)

PreventionGenetics, part of Exact Sciences
Classification: Likely pathogenic for SI-related condition. Last evaluated: 2026-03-18. Review status: criteria provided, single submitter. Criteria: ACMG Guidelines, 2015. Collection method: clinical testing. Allele origin: germline.
Comment: The SI c.3218G>A variant is predicted to result in the amino acid substitution p.Gly1073Asp. This variant has been reported in the homozygous and compound heterozygous states as causative for congenital sucrase-isomaltase deficiency (see for example: Uhrich et al. 2012. PubMed ID: 23103650; Sander et al. 2006. PubMed ID: 16329100). Evaluation of patients homozygous for this variant revealed absence of sucrase activity in breath and blood assays (Opekun et al. 2016. PubMed ID: 27579322). Functional studies in vitro suggest absence of enzymatic activity is due to protein misfolding (Alfalah et al. 2009. PubMed ID: 19121318). This variant is reported in 0.23% of alleles in individuals of European (Non-Finnish) descent in gnomAD. This variant is interpreted as likely pathogenic.

Clinical Genomics Laboratory, Washington University in St. Louis
Classification: Likely pathogenic for Sucrase-isomaltase deficiency. Last evaluated: 2026-02-25. Review status: criteria provided, single submitter. Criteria: ACMG Guidelines, 2015. Collection method: clinical testing. Allele origin: germline. Affected: yes.
Comment: The SI c.3218G>A (p.Gly1073Asp) variant is a common variant observed in affected individuals with CSID (Opekun AR et al., PMID: 27579322; Sander P et al., PMID: 16329100; UIhrich S et al., PMID: 23103650). The highest population minor allele frequency in the population database genome aggregation database (v.2.1.1) is 0.23% in the European non-Finnish population, which is at the upper reported range for disease prevalence of CSID (Senftleber NK et al., PMID: 36994449). This variant resides within the sucrase domain, amino acids 1008-1827, of SI that is defined as a critical functional domain (Opekun AR et al., PMID: 27579322). This is supported by functional studies that show this variant prevents the SI protein from exiting the endoplasmic reticulum, and disrupts the folding and enzymatic activity of the two essential sucrase and isomaltase domains, indicating that this variant impacts protein function (Alfalah M et al., PMID: 19121318; Opekun AR et al., PMID: 27579322). This variant has been reported in the ClinVar database as a germline pathogenic variant by four submitters, likely pathogenic by 12 submitters, and a variant of uncertain significance by two submitters. Based on available information and the ACMG/AMP guidelines for variant interpretation (Richards S et al., PMID: 25741868), this variant is classified as likely pathogenic.

North West Genomic Laboratory Hub, Manchester University NHS Foundation Trust
Classification: Likely pathogenic for Inborn error of metabolism. Last evaluated: 2025-06-13. Review status: criteria provided, single submitter. Criteria: ACGS Best Practice Guidelines for Variant Classification in Rare Disease 2024. Collection method: clinical testing. Allele origin: germline. Affected: yes.
Comment: PP3_Supp PS4_Str PS3_Mod

Blueprint Genetics
Classification: Pathogenic for SI-related disorders. Last evaluated: 2024-11-24. Review status: criteria provided, single submitter. Criteria: ACMG Guidelines, 2015. Collection method: clinical testing. Allele origin: germline. Affected: yes. Observed: 5 variant alleles.

Mayo Clinic Laboratories, Mayo Clinic
Classification: Likely pathogenic. Last evaluated: 2024-09-24. Review status: criteria provided, single submitter. Criteria: ACMG Guidelines, 2015. Collection method: clinical testing. Allele origin: germline. Observed: 1 variant allele.
Comment: PP1, PM3_strong, PS3_moderate

Aleixo Muise Laboratory, Hospital For Sick Children
Classification: Likely pathogenic for Sucrase-isomaltase deficiency. Last evaluated: 2024-07-05. Review status: criteria provided, single submitter. Criteria: ACMG Guidelines, 2015. Collection method: research. Allele origin: germline. Affected: yes. Observed: 1 variant allele.
Comment: PS3;PM2;PP3;PP4

Women's Health and Genetics/Laboratory Corporation of America, LabCorp
Classification: Likely pathogenic for Sucrase-isomaltase deficiency. Last evaluated: 2023-04-14. Review status: criteria provided, single submitter. Criteria: LabCorp Variant Classification Summary - May 2015. Collection method: clinical testing. Allele origin: germline.
Comment: Variant summary: SI c.3218G>A (p.Gly1073Asp) results in a non-conservative amino acid change located in the Galactose mutarotase, N-terminal barrel (IPR031727) of the encoded protein sequence. Five of five in-silico tools predict a damaging effect of the variant on protein function. The variant allele was found at a frequency of 0.0012 in 250488 control chromosomes in the gnomAD database, including 2 homozygotes. c.3218G>A has been reported in the literature in multiple individuals affected with Sucrase-Isomaltase Deficiency (Sander_2006, Gericke_2017, Kingsmore_2022), and some were reported as compound heterozygous with other (likely) pathogenic variants. These data indicate that the variant is very likely to be associated with disease. At least two publications reports experimental evidence evaluating an impact on protein function, finding <10% of normal enzymatic activity as well as disruption of folding and transport from the endoplasmic reticulum (Alfalah_2009, Gericke_2017). 13 submitters have provided clinical-significance assessments for this variant to ClinVar after 2014, and classified it as pathogenic/likely pathogenic (n=11) or uncertain significance (n=2). Based on the evidence outlined above, the variant was classified as likely pathogenic.

Genetics and Molecular Pathology, SA Pathology
Classification: Likely pathogenic for Sucrase-isomaltase deficiency. Last evaluated: 2023-04-12. Review status: criteria provided, single submitter. Criteria: ACMG Guidelines, 2015. Collection method: clinical testing. Allele origin: germline. Inheritance: Autosomal recessive inheritance. Affected: yes.
Comment: The SI c.3218G>A variant is classified as a LIKELY PATHOGENIC variant (PS3, PM2, PP3) The variant is a single nucleotide change in exon 27/48 of the SI gene, which is predicted to change the amino acid glycine at position 1073 in the protein to aspartic acid. The variant has been previously detected in multiple unrelated individuals with Congenital sucrase-isomaltase deficiency in compound heterozygous or homozygous state (PMID: 16329100, 19121318, 23103650). Functional studies have demostrated that the variant disrupt the protein folding along with reduced enzymatic activity (PMID: 27579322, 19121318) (PS3). The variant is in dbSNP (rs121912616) and has been reported in population databases (gnomAD: 226/151536, 0 homozygote) at a frequency that is consistent with a recessive carrier frequency (PM2). The variant has been reported by other laboratories and HGMD (Accession no.: CM0604720) with conflicting interpretations of pathogenicity (3 Pathogenic; 7 Likely Pathogenic; 2 VUS) (Clinvar Variation ID: #1419). Computational predictions support a deleterious effect on the gene or gene product (PP3). Clinical review is recommended.

Department of Pathology and Laboratory Medicine, Sinai Health System
Classification: Likely pathogenic for Sucrase-isomaltase deficiency. Last evaluated: 2023-03-20. Review status: criteria provided, single submitter. Criteria: ACMG Guidelines, 2015. Collection method: research. Allele origin: germline.